The following is an entry in ClinVar:

ClinVar aggregate classification (germline): Likely pathogenic (1 of 4 stars; one submission).

Submission:

GeneDx
Classification: Likely pathogenic. Last evaluated: 2025-03-13. Review status: criteria provided, single submitter. Criteria: GeneDx Variant Classification Process June 2021. Collection method: clinical testing. Allele origin: germline. Affected: yes.
Comment: In silico analysis supports that this missense variant has a deleterious effect on protein structure/function; Not observed at significant frequency in large population cohorts (gnomAD); This variant is associated with the following publications: (PMID: 25512093, 25609763, 26100331, 36636459, 39304976, 35099838, 32788638)

NM_001376.5(DYNC1H1):c.10432C>T (p.Leu3478Phe)

Gene: DYNC1H1 (dynein cytoplasmic 1 heavy chain 1; plus strand). Cytogenetic location: 14q32.31.
Variant type: single nucleotide variant.
Coding change: c.10432C>T on transcript NM_001376.5 (MANE Select); coding-DNA position 10432, C replaced by T.
Protein change: p.Leu3478Phe; replaces leucine 3478 with phenylalanine.
Molecular consequence: missense variant.
Genome position (GRCh38, 1-based): chr14:102,033,994, C>T. VCF-style: chr14-102033994-C-T. GRCh37 (hg19) VCF-style: chr14-102500331-C-T.
Other names: short protein forms L3478F.
Identifiers: ClinVar variation 4086471 (VCV004086471.1).
Genomic context (GRCh38, chr14:102,033,994, plus strand): 5'-AAAGGCCTCATCCCTGAGCATCTTGTTCGGTTTTCCTTTTAGGTAAACCGGAGCACTGCT[C>T]TTCTGAAGAGCTTGTCTGCTGAACGTGAACGATGGGAAAAAACAAGTGAAACTTTCAAAA-3'
Protein context (NP_001367.2, residues 3468-3488): VEAKVNRSTA[Leu3478Phe]LKSLSAERER